The following is an entry in ClinVar:

NM_001203.3(BMPR1B):c.640C>A (p.Arg214Ser)

Gene: BMPR1B (bone morphogenetic protein receptor type 1B; plus strand). Cytogenetic location: 4q22.3.
Variant type: single nucleotide variant.
Coding change: c.640C>A on transcript NM_001203.3 (MANE Select); coding-DNA position 640, C replaced by A.
Protein change: p.Arg214Ser; replaces arginine 214 with serine.
Molecular consequence: missense variant.
Genome position (GRCh38, 1-based): chr4:95,129,916, C>A. VCF-style: chr4-95129916-C-A. GRCh37 (hg19) VCF-style: chr4-96051067-C-A.
Other names: c.730C>A, p.Arg244Ser (NM_001256793.2); c.640C>A, p.Arg214Ser (NM_001256794.1, NM_001256792.2); short protein forms R214S, R244S.
Identifiers: ClinVar variation 446284 (VCV000446284.3), dbSNP rs1553941890, ClinGen allele CA357681181.

ClinVar aggregate classification (germline): Pathogenic (0 of 4 stars; one submission).

Conditions:
Acromesomelic dysplasia 2B. Also called: DU PAN SYNDROME. Identifiers: Orphanet 2639, MedGen C1856738, MONDO:0009231, OMIM 228900.
Brachydactyly type A1D. Also called: Brachydactyly, type a1, d. Identifiers: Orphanet 93388, MedGen C4225183, MONDO:0014798, OMIM 616849.
Type A2 brachydactyly (BDA2). Also called: MOHR-WRIEDT TYPE BRACHYDACTYLY; BRACHYMESOPHALANGY II; Brachymesophalangy type 2. Identifiers: Orphanet 93396, MedGen C1832702, MONDO:0007216, OMIM 112600, HP:0009372.
Acromesomelic dysplasia 3 (AMD3). Also called: Acromesomelic dysplasia, Demirhan type; CHONDRODYSPLASIA, ACROMESOMELIC, WITH OR WITHOUT GENITAL ANOMALIES. Identifiers: MedGen C4225404, MONDO:0012274, OMIM 609441.

Submission:

Dept of Molecular Biology and Genetics, Bogazici University
Classification: Pathogenic for Brachydactyly type A1D; Acromesomelic dysplasia 3; Type A2 brachydactyly; Acromesomelic dysplasia 2B. Review status: no assertion criteria provided. Collection method: research. Allele origin: germline. Inheritance: Autosomal recessive inheritance. Affected: yes. Observed: 8 variant alleles, 4 heterozygotes, 4 homozygotes.
Comment: Affected sibs from a consanguineous family have a unique combination of digit malformations characterized by brachydactyly and camptodactyly of certain digits in hands and feet, symphalangism of some fingers, and zygodactyly in feet. Structural protein modelling, protein sequence conservation and in silico analysis indicate that the variant we identified in BMPR1B affects protein function. BMPR1B is known to be responsible for autosomal dominant brachydactyly and autosomal recessive acromesomelic chondrodysplasia. Therefore, the variant explains the phenotype in the family.